The following is an entry in ClinVar:

ClinVar aggregate classification (germline): Uncertain significance. Review status: criteria provided, multiple submitters, no conflicts (2 of 4 stars). 2 submissions from 2 submitters: Uncertain significance (2). Last evaluated 2023-08-28.

Conditions:
Marfan syndrome (MFS). Also called: MARFAN SYNDROME, TYPE I; FBN1-Related Marfan Syndrome; Marfan syndrome type 1; Marfan's syndrome; Marfan syndrome, classic. Identifiers: Orphanet 284963, Orphanet 558, MedGen C0024796, MONDO:0007947, OMIM 154700.

Submissions (2):

All of Us Research Program, National Institutes of Health
Classification: Uncertain significance for Marfan syndrome. Last evaluated: 2023-08-28. Review status: criteria provided, single submitter. Criteria: ACMG Guidelines, 2015. Collection method: clinical testing. Allele origin: germline. Inheritance: Autosomal dominant inheritance. Observed: 1 variant allele, 1 heterozygote.
Comment: This missense variant replaces lysine with glutamic acid at codon 680 of the FBN1 protein. Computational prediction suggests that this variant may have deleterious impact on protein structure and function (internally defined REVEL score threshold >= 0.7, PMID: 27666373). To our knowledge, functional studies have not been reported for this variant. This variant has not been reported in individuals affected with FBN1-related disorders in the literature. This variant has not been identified in the general population by the Genome Aggregation Database (gnomAD). The available evidence is insufficient to determine the role of this variant in disease conclusively. Therefore, this variant is classified as a Variant of Uncertain Significance.

This study involves interpretation of variants in research participants for the purpose of population health screening. Participant phenotype was not available at the time of variant classification. Additional details can be found in publication PMID: 35346344, PMCID: PMC8962531

GeneDx
Classification: Uncertain significance. Last evaluated: 2022-08-22. Review status: criteria provided, single submitter. Criteria: GeneDx Variant Classification Process June 2021. Collection method: clinical testing. Allele origin: germline. Affected: yes.
Comment: Not observed at significant frequency in large population cohorts (gnomAD); In silico analysis supports that this missense variant has a deleterious effect on protein structure/function; Has not been previously published as pathogenic or benign to our knowledge; Does not affect a cysteine residue within a calcium-binding EGF-like domain or a TGF-binding protein domain of the FBN1 gene; cysteine substitutions in the calcium-binding EGF-like domains represent the majority of pathogenic missense changes associated with FBN1-related disorders (Collod-Beroud et al., 2003)

NM_000138.5(FBN1):c.2038A>G (p.Lys680Glu)

Gene: FBN1 (fibrillin 1; minus strand). Cytogenetic location: 15q21.1.
Variant type: single nucleotide variant.
Coding change: c.2038A>G on transcript NM_000138.5 (MANE Select); coding-DNA position 2038, A replaced by G.
Protein change: p.Lys680Glu; replaces lysine 680 with glutamic acid.
Molecular consequence: missense variant.
Genome position (GRCh38, 1-based): chr15:48,503,862, T>C on the plus strand (A>G on the coding strand, the complement: FBN1 is on the minus strand). VCF-style: chr15-48503862-T-C. GRCh37 (hg19) VCF-style: chr15-48796059-T-C.
Other names: c.2038A>G, p.Lys680Glu (NM_001406716.1); short protein forms K680E.
Identifiers: ClinVar variation 2430890 (VCV002430890.2), dbSNP rs2505591144, ClinGen allele CA392338407.